The following is an entry in ClinVar:

NM_003060.4(SLC22A5):c.37G>A (p.Glu13Lys)

Gene: SLC22A5 (solute carrier family 22 member 5; plus strand). Cytogenetic location: 5q31.1.
Variant type: single nucleotide variant.
Coding change: c.37G>A on transcript NM_003060.4 (MANE Select); coding-DNA position 37, G replaced by A.
Protein change: p.Glu13Lys; replaces glutamic acid 13 with lysine.
Molecular consequence: missense variant.
Genome position (GRCh38, 1-based): chr5:132,370,009, G>A. VCF-style: chr5-132370009-G-A. GRCh37 (hg19) VCF-style: chr5-131705701-G-A.
Other names: c.37G>A (NM_003060.3); c.37G>A, p.Glu13Lys (NM_001308122.2); short protein forms E13K.
Identifiers: ClinVar variation 1509417 (VCV001509417.6), dbSNP rs553647459, ClinGen allele CA3403771.

ClinVar aggregate classification (germline): Uncertain significance. Review status: criteria provided, multiple submitters, no conflicts (2 of 4 stars). 2 submissions from 2 submitters: Uncertain significance (2). Last evaluated 2025-08-23.

Conditions:
Inborn genetic diseases. Identifiers: MedGen C0950123, MeSH D030342.
Renal carnitine transport defect (CDSP). Also called: Carnitine transporter deficiency; Carnitine Deficiency, Systemic; Primary carnitine deficiency; Systemic primary carnitine deficiency; CARNITINE DEFICIENCY, SYSTEMIC, DUE TO DEFECT IN RENAL REABSORPTION OF CARNITINE; CARNITINE TRANSPORTER, PLASMA-MEMBRANE, DEFICIENCY OF. Identifiers: Orphanet 158, MedGen C0342788, MONDO:0008919, OMIM 212140.

Allele frequency attached by ClinVar (database versions not stated): gnomAD exomes below 0.00001; gnomAD 0.00001; ExAC 0.00002; 1000 Genomes Project 0.00040; 1000 Genomes Project 30x 0.00047.
gnomAD v4.1: 2 of 1,613,318 alleles (0.00012%); highest among the groups gnomAD compares: Admixed American, 0.0033%; no homozygotes.

Submissions (2):

Ambry Genetics
Classification: Uncertain significance for Inborn genetic diseases. Last evaluated: 2025-08-23. Review status: criteria provided, single submitter. Criteria: Ambry Variant Classification Scheme 2023. Collection method: clinical testing. Allele origin: germline.

Labcorp Genetics (formerly Invitae), Labcorp
Classification: Uncertain significance for Renal carnitine transport defect. Last evaluated: 2021-09-01. Review status: criteria provided, single submitter. Criteria: Invitae Variant Classification Sherloc (09022015). Collection method: clinical testing. Allele origin: germline.
Comment: This sequence change replaces glutamic acid with lysine at codon 13 of the SLC22A5 protein (p.Glu13Lys). The glutamic acid residue is moderately conserved and there is a small physicochemical difference between glutamic acid and lysine. This variant is present in population databases (rs553647459, ExAC 0.02%). This variant has not been reported in the literature in individuals affected with SLC22A5-related conditions. Algorithms developed to predict the effect of missense changes on protein structure and function (SIFT, PolyPhen-2, Align-GVGD) all suggest that this variant is likely to be tolerated. In summary, the available evidence is currently insufficient to determine the role of this variant in disease. Therefore, it has been classified as a Variant of Uncertain Significance.